The following is an entry in ClinVar:

NM_005502.4(ABCA1):c.1695G>C (p.Arg565Ser)

Gene: ABCA1 (ATP binding cassette subfamily A member 1; minus strand). Cytogenetic location: 9q31.1.
Variant type: single nucleotide variant.
Coding change: c.1695G>C on transcript NM_005502.4 (MANE Select); coding-DNA position 1695, G replaced by C.
Protein change: p.Arg565Ser; replaces arginine 565 with serine.
Molecular consequence: missense variant.
Genome position (GRCh38, 1-based): chr9:104,831,642, C>G on the plus strand (G>C on the coding strand, the complement: ABCA1 is on the minus strand). VCF-style: chr9-104831642-C-G. GRCh37 (hg19) VCF-style: chr9-107593923-C-G.
Other names: short protein forms R565S.
Identifiers: ClinVar variation 914472 (VCV000914472.4), dbSNP rs754040394, ClinGen allele CA5168953.

ClinVar aggregate classification (germline): Conflicting classifications of pathogenicity. Review status: criteria provided, conflicting classifications (1 of 4 stars). 2 submissions from 1 submitter: Uncertain significance (1); Benign (1). Last evaluated 2018-01-12.

Conditions:
Hypoalphalipoproteinemia, primary, 1. Identifiers: Orphanet 425, MedGen C5231558, MONDO:0011393, OMIM 604091.
Tangier disease (TGD). Also called: HIGH DENSITY LIPOPROTEIN DEFICIENCY, TANGIER TYPE; HIGH DENSITY LIPOPROTEIN DEFICIENCY, TYPE 1; Cholesterol thesaurismosis. Identifiers: Orphanet 31150, MedGen C0039292, MONDO:0008783, OMIM 205400.

Allele frequency attached by ClinVar (database versions not stated): gnomAD exomes 0.00001; TOPMed 0.00001; ExAC 0.00002; gnomAD 0.00002 and 0.00003.
gnomAD v4.1: 61 of 1,613,894 alleles (0.0038%); highest among the groups gnomAD compares: East Asian, 0.14%; no homozygotes.

Submissions (2):

Illumina Laboratory Services, Illumina
Classification: Uncertain significance for Tangier disease. Last evaluated: 2018-01-12. Review status: criteria provided, single submitter. Criteria: ICSL Variant Classification Criteria 13 December 2019. Collection method: clinical testing. Allele origin: germline.

Illumina Laboratory Services, Illumina
Classification: Benign for Hypoalphalipoproteinemia, primary, 1. Last evaluated: 2018-01-12. Review status: criteria provided, single submitter. Criteria: ICSL Variant Classification Criteria 13 December 2019. Collection method: clinical testing. Allele origin: germline.
Comment: This variant was observed in the ICSL laboratory as part of a predisposition screen in an ostensibly healthy population. It had not been previously curated by ICSL or reported in the Human Gene Mutation Database (HGMD: prior to June 1st, 2018), and was therefore a candidate for classification through an automated scoring system. Utilizing variant allele frequency, disease prevalence and penetrance estimates, and inheritance mode, an automated score was calculated to assess if this variant is too frequent to cause the disease. Based on the score and internal cut-off values, a variant classified as benign is not then subjected to further curation. The score for this variant resulted in a classification of benign for this disease.